The following is an entry in ClinVar:

ClinVar aggregate classification (germline): Conflicting classifications of pathogenicity. Review status: criteria provided, conflicting classifications (1 of 4 stars). 4 submissions from 4 submitters: Uncertain significance (3); Likely benign (1). Last evaluated 2025-07-29.

Conditions:
Hereditary breast ovarian cancer syndrome. Also called: BRCA1- and BRCA2-Associated Hereditary Breast and Ovarian Cancer; Hereditary breast and/or ovarian cancer syndrome; Hereditary breast and ovarian cancer syndrome; Hereditary breast and ovarian cancer; Hereditary breast and ovarian cancer syndrome (HBOC); Breast and ovarian cancer. Identifiers: Orphanet 145, MedGen C0677776, MeSH D061325, MONDO:0003582. Disease mechanism: loss of function.
Hereditary cancer-predisposing syndrome. Also called: Hereditary neoplastic syndrome; Neoplastic Syndromes, Hereditary; Tumor predisposition; Hereditary Cancer Syndrome. Identifiers: Orphanet 140162, MedGen C0027672, MeSH D009386, MONDO:0015356.

Allele frequency attached by ClinVar (database versions not stated): gnomAD exomes below 0.00001.
gnomAD v4.1: 1 of 1,614,202 alleles (0.000062%); highest among the groups gnomAD compares: Non-Finnish European, 0.000085%; no homozygotes.

Submissions (4):

Ambry Genetics
Classification: Uncertain significance for Hereditary cancer-predisposing syndrome. Last evaluated: 2025-07-29. Review status: criteria provided, single submitter. Criteria: Ambry Variant Classification Scheme 2023. Collection method: clinical testing. Allele origin: germline.
Comment: The p.V415A variant (also known as c.1244T>C), located in coding exon 9 of the BRCA1 gene, results from a T to C substitution at nucleotide position 1244. The valine at codon 415 is replaced by alanine, an amino acid with similar properties. This amino acid position is not well conserved in available vertebrate species. In addition, the in silico prediction for this alteration is inconclusive. Based on the available evidence, the clinical significance of this variant remains unclear.

Labcorp Genetics (formerly Invitae), Labcorp
Classification: Uncertain significance for Hereditary breast ovarian cancer syndrome. Last evaluated: 2025-07-29. Review status: criteria provided, single submitter. Criteria: Invitae Variant Classification Sherloc (09022015). Collection method: clinical testing. Allele origin: germline.
Comment: This sequence change replaces valine, which is neutral and non-polar, with alanine, which is neutral and non-polar, at codon 415 of the BRCA1 protein (p.Val415Ala). This variant is not present in population databases (gnomAD no frequency). This missense change has been observed in individual(s) with hereditary breast and/or ovarian cancer (PMID: 18273839). ClinVar contains an entry for this variant (Variation ID: 422833). Invitae Evidence Modeling of protein sequence and biophysical properties (such as structural, functional, and spatial information, amino acid conservation, physicochemical variation, residue mobility, and thermodynamic stability) indicates that this missense variant is not expected to disrupt BRCA1 protein function with a negative predictive value of 80%. In summary, the available evidence is currently insufficient to determine the role of this variant in disease. Therefore, it has been classified as a Variant of Uncertain Significance.

University of Washington Department of Laboratory Medicine, University of Washington
Classification: Likely benign for Hereditary cancer-predisposing syndrome. Last evaluated: 2023-03-23. Review status: criteria provided, single submitter. Criteria: Dines et al. (Genet Med. 2020). Collection method: curation. Allele origin: germline.
Comment: Missense variant in a coldspot region where missense variants are very unlikely to be pathogenic (PMID:31911673).

BRCA1 coldspot (exon 11 using historical exon numbering). Reclassification based on statistical prior probability

GeneDx
Classification: Uncertain significance. Last evaluated: 2016-12-01. Review status: criteria provided, single submitter. Criteria: GeneDx Variant Classification (06012015). Collection method: clinical testing. Allele origin: germline. Affected: yes.
Comment: This variant is denoted BRCA1 c.1244T>C at the cDNA level, p.Val415Ala (V415A) at the protein level, and results in the change of a Valine to an Alanine (GTT>GCT). Using alternate nomenclature, this variant would be defined as BRCA1 1363T>C. This variant has been reported in French families with breast/ovarian cancer (Anczukow 2008). BRCA1 Val415Ala was not observed in approximately 6,500 individuals of European and African American ancestry in the NHLBI Exome Sequencing Project, suggesting it is not a common benign variant in these populations. Since Valine and Alanine share similar properties, this is considered a conservative amino acid substitution. BRCA1 Val415Ala occurs at a position that is not conserved and is located in a region known to interact with multiple proteins (Paul 2014). In silico analyses are inconsistent regarding the effect this variant may have on protein structure and function. Based on currently available evidence, it is unclear whether BRCA1 Val415Ala is a pathogenic or benign variant. We consider it to be a variant of uncertain significance.

Literature cited by the submitters: PubMed 18273839 (cited by Ambry Genetics and Labcorp Genetics (formerly Invitae), Labcorp).

NM_007294.4(BRCA1):c.1244T>C (p.Val415Ala)

Gene: BRCA1 (BRCA1 DNA repair associated; minus strand). Cytogenetic location: 17q21.31.
Variant type: single nucleotide variant.
Coding change: c.1244T>C on transcript NM_007294.4 (MANE Select); coding-DNA position 1244, T replaced by C.
Protein change: p.Val415Ala; replaces valine 415 with alanine.
Molecular consequence: missense variant. On other transcripts: intron variant (137).
Genome position (GRCh38, 1-based): chr17:43,094,287, A>G on the plus strand (T>C on the coding strand, the complement: BRCA1 is on the minus strand). VCF-style: chr17-43094287-A-G. GRCh37 (hg19) VCF-style: chr17-41246304-A-G.
Other names: c.1103T>C, p.Val368Ala (NM_001407696.1, NM_001407697.1, NM_001407726.1 and 29 more transcripts); c.1031T>C, p.Val344Ala (NM_001407571.1, NM_001407853.1, NM_001407894.1 and 9 more transcripts); c.1244T>C, p.Val415Ala (NM_001407581.1, NM_001407582.1, NM_001407583.1 and 30 more transcripts); c.1241T>C, p.Val414Ala (NM_001407587.1, NM_001407590.1, NM_001407591.1 and 22 more transcripts); c.1235T>C, p.Val412Ala (NM_001407646.1, NM_001407647.1); c.1121T>C, p.Val374Ala (NM_001407648.1, NM_001407664.1, NM_001407665.1 and 19 more transcripts); c.1118T>C, p.Val373Ala (NM_001407649.1, NM_001407670.1, NM_001407671.1 and 11 more transcripts); c.1166T>C, p.Val389Ala (NM_001407653.1, NM_001407654.1, NM_001407655.1 and 4 more transcripts); and 40 more; short protein forms V415A, V368A, V303A, V345A, V347A, V373A, V414A, V119A.
Identifiers: ClinVar variation 422833 (VCV000422833.24), dbSNP rs1064796031, ClinGen allele CA10599563.